The following is an entry in ClinVar:

NM_000936.4(PNLIP):c.253A>G (p.Arg85Gly)

Gene: PNLIP (pancreatic lipase; plus strand). Cytogenetic location: 10q25.3.
Variant type: single nucleotide variant.
Coding change: c.253A>G on transcript NM_000936.4 (MANE Select); coding-DNA position 253, A replaced by G.
Protein change: p.Arg85Gly; replaces arginine 85 with glycine.
Molecular consequence: missense variant.
Genome position (GRCh38, 1-based): chr10:116,548,411, A>G. VCF-style: chr10-116548411-A-G. GRCh37 (hg19) VCF-style: chr10-118307923-A-G.
Other names: short protein forms R85G.
Identifiers: ClinVar variation 3628697 (VCV003628697.1).
Genomic context (GRCh38, chr10:116,548,411, plus strand): 5'-TCTAAACAGGAAGTTGCCGCAGATTCATCAAGCATCAGTGGCTCCAATTTCAAAACAAAT[A>G]GAAAAACTCGCTTTATTATTCATGGATTCATAGACAAGGGAGAAGAAAACTGGCTGGCCA-3'
Protein context (NP_000927.1, residues 75-95): SISGSNFKTN[Arg85Gly]KTRFIIHGFI

ClinVar aggregate classification (germline): Uncertain significance (1 of 4 stars; one submission).

gnomAD v4.1: 5 of 1,614,128 alleles (0.00031%); highest among the groups gnomAD compares: Middle Eastern, 0.033%; no homozygotes.

Submission:

Labcorp Genetics (formerly Invitae), Labcorp
Classification: Uncertain significance. Last evaluated: 2024-06-21. Review status: criteria provided, single submitter. Criteria: Invitae Variant Classification Sherloc (09022015). Collection method: clinical testing. Allele origin: germline.
Comment: This sequence change replaces arginine, which is basic and polar, with glycine, which is neutral and non-polar, at codon 85 of the PNLIP protein (p.Arg85Gly). This variant is present in population databases (no rsID available, gnomAD 0.006%). This variant has not been reported in the literature in individuals affected with PNLIP-related conditions. Advanced modeling of protein sequence and biophysical properties (such as structural, functional, and spatial information, amino acid conservation, physicochemical variation, residue mobility, and thermodynamic stability) performed at Invitae indicates that this missense variant is expected to disrupt PNLIP protein function with a positive predictive value of 80%. In summary, the available evidence is currently insufficient to determine the role of this variant in disease. Therefore, it has been classified as a Variant of Uncertain Significance.